The following is an entry in ClinVar:

ClinVar aggregate classification (germline): Conflicting classifications of pathogenicity. Review status: criteria provided, conflicting classifications (1 of 4 stars). 11 submissions from 11 submitters: Uncertain significance (8); Likely benign (2). 1 of the submissions does not count toward it. Last evaluated 2025-12-04.

Conditions:
Multiple endocrine neoplasia, type 2 (MEN2). Identifiers: Orphanet 653, MedGen C4048306, MONDO:0019003. Disease mechanism: gain of function.
Hirschsprung disease, susceptibility to, 1 (HSCR1). Also called: RET-Related Hirschsprung Disease. Identifiers: Orphanet 388, MedGen C3888239, MONDO:0007723, OMIM 142623.
Multiple endocrine neoplasia type 2B. Also called: WAGENMANN-FROBOESE SYNDROME; MULTIPLE ENDOCRINE NEOPLASIA, TYPE III; MULTIPLE ENDOCRINE NEOPLASIA, TYPE IIB; MEN IIB; NEUROMATA, MUCOSAL, WITH ENDOCRINE TUMORS; MEN 2B. Identifiers: Orphanet 247709, Orphanet 653, MedGen C0025269, MeSH D018814, MONDO:0008082, OMIM 162300.
Pheochromocytoma. Also called: MAX-Related Hereditary Paraganglioma-Pheochromocytoma Syndrome. Identifiers: Orphanet 29072, MedGen C0031511, MONDO:0008233, OMIM 171300, HP:0002666.
Familial medullary thyroid carcinoma (MTC). Also called: Thyroid cancer, familial medullary; MTC, familial; Familial Medullary Thyroid Carcinoma (FMTC). Identifiers: Orphanet 653, Orphanet 99361, MedGen C1833921, MONDO:0007958, OMIM 155240.
Multiple endocrine neoplasia type 2A. Also called: Multiple Endocrine Neoplasia Type 2A (MEN2A); MULTIPLE ENDOCRINE NEOPLASIA, TYPE IIA; PTC SYNDROME; SIPPLE SYNDROME; MEN 2A; MEN-2A syndrome. Identifiers: Orphanet 247698, Orphanet 653, MedGen C0025268, MeSH D018813, MONDO:0008234, OMIM 171400.
Hereditary cancer-predisposing syndrome. Also called: Tumor predisposition; Hereditary Cancer Syndrome; Hereditary neoplastic syndrome; Neoplastic Syndromes, Hereditary. Identifiers: Orphanet 140162, MedGen C0027672, MeSH D009386, MONDO:0015356.
RET-related disorder. Also called: RET-related condition; RET-related disease; RET-related disorders.

Allele frequency attached by ClinVar (database versions not stated): gnomAD exomes 0.00001 and 0.00002; ExAC 0.00003; gnomAD 0.00003; TOPMed 0.00004; ESP Exome Variant Server 0.00008.
gnomAD v4.1: 7 of 1,613,710 alleles (0.00043%); highest among the groups gnomAD compares: African/African-American, 0.0053%; no homozygotes.

Submissions (11):

PreventionGenetics, part of Exact Sciences
Classification: Uncertain significance for RET-related condition. Last evaluated: 2025-12-04. Review status: criteria provided, single submitter. Criteria: ACMG Guidelines, 2015. Collection method: clinical testing. Allele origin: germline.
Comment: The RET c.1018G>T variant is predicted to result in the amino acid substitution p.Val340Phe. To our knowledge, this variant has not been reported in the literature. This variant is reported in 0.0062% of alleles in individuals of African descent in gnomAD and has conflicting interpretations in ClinVar ranging from uncertain to likely benign (Variation ID: 405542). At this time, the clinical significance of this variant is uncertain due to the absence of conclusive functional and genetic evidence.

Labcorp Genetics (formerly Invitae), Labcorp
Classification: Uncertain significance for Multiple endocrine neoplasia, type 2. Last evaluated: 2025-10-01. Review status: criteria provided, single submitter. Criteria: Invitae Variant Classification Sherloc (09022015). Collection method: clinical testing. Allele origin: germline.
Comment: This sequence change replaces valine, which is neutral and non-polar, with phenylalanine, which is neutral and non-polar, at codon 340 of the RET protein (p.Val340Phe). This variant is present in population databases (rs367737920, gnomAD 0.007%). This variant has not been reported in the literature in individuals affected with RET-related conditions. ClinVar contains an entry for this variant (Variation ID: 405542). An algorithm developed to predict the effect of missense changes on protein structure and function (PolyPhen-2) suggests that this variant is likely to be tolerated. In summary, the available evidence is currently insufficient to determine the role of this variant in disease. Therefore, it has been classified as a Variant of Uncertain Significance.

Color Diagnostics, LLC DBA Color Health
Classification: Likely benign for Multiple endocrine neoplasia, type 2. Last evaluated: 2025-09-04. Review status: criteria provided, single submitter. Criteria: ACMG Guidelines, 2015. Collection method: clinical testing. Allele origin: germline.

Quest Diagnostics Nichols Institute San Juan Capistrano
Classification: Uncertain significance. Last evaluated: 2025-02-24. Review status: criteria provided, single submitter. Criteria: Quest Diagnostics criteria. Collection method: clinical testing. Allele origin: unknown.

Ambry Genetics
Classification: Likely benign for Hereditary cancer-predisposing syndrome. Last evaluated: 2025-01-31. Review status: criteria provided, single submitter. Criteria: Ambry Variant Classification Scheme 2023. Collection method: clinical testing. Allele origin: germline.

GeneDx
Classification: Uncertain significance. Last evaluated: 2024-03-12. Review status: criteria provided, single submitter. Criteria: GeneDx Variant Classification Process June 2021. Collection method: clinical testing. Allele origin: germline. Affected: yes.
Comment: Not observed at significant frequency in large population cohorts (gnomAD); In silico analysis supports that this missense variant does not alter protein structure/function; Has not been previously published as pathogenic or benign to our knowledge; This variant is associated with the following publications: (PMID: 14633923)

Fulgent Genetics
Classification: Uncertain significance for Hirschsprung disease, susceptibility to, 1; Familial medullary thyroid carcinoma; Multiple endocrine neoplasia type 2B; Pheochromocytoma; Multiple endocrine neoplasia type 2A. Last evaluated: 2024-01-09. Review status: criteria provided, single submitter. Criteria: ACMG Guidelines, 2015. Collection method: clinical testing. Allele origin: germline.

All of Us Research Program, National Institutes of Health
Classification: Uncertain significance for Multiple endocrine neoplasia, type 2. Last evaluated: 2023-12-13. Review status: criteria provided, single submitter. Criteria: ACMG Guidelines, 2015. Collection method: clinical testing. Allele origin: germline. Inheritance: Autosomal dominant inheritance. Observed: 2 variant alleles, 2 heterozygotes.
Comment: This missense variant replaces valine with phenylalanine at codon 340 of the RET protein. Computational prediction suggests that this variant may not impact protein structure and function (internally defined REVEL score threshold <= 0.5, PMID: 27666373). To our knowledge, functional studies have not been reported for this variant. This variant has not been reported in individuals affected with RET-related disorders in the literature. This variant has been identified in 5/249614 chromosomes in the general population by the Genome Aggregation Database (gnomAD). The available evidence is insufficient to determine the role of this variant in disease conclusively. Therefore, this variant is classified as a Variant of Uncertain Significance.

This study involves interpretation of variants in research participants for the purpose of population health screening. Participant phenotype was not available at the time of variant classification. Additional details can be found in publication PMID: 35346344, PMCID: PMC8962531

Myriad Genetics, Inc.
Classification: Uncertain significance for Multiple endocrine neoplasia type 2A. Last evaluated: 2023-04-17. Review status: criteria provided, single submitter. Criteria: Myriad Autosomal Dominant, Autosomal Recessive and X-Linked Classification Criteria (2023). Collection method: clinical testing. Allele origin: unknown.
Comment: This variant is classified as a variant of uncertain significance as there is insufficient evidence to determine its impact on protein function and/or cancer risk.

Sema4
Classification: Uncertain significance for Hereditary cancer-predisposing syndrome. Last evaluated: 2021-12-10. Review status: criteria provided, single submitter. Criteria: Sema4 Curation Guidelines. Collection method: curation. Allele origin: germline.
Comment: To the best of our knowledge, the RET c.1018G>T (p.V340F) variant has not been reported in individuals with RET-related disease. It was observed in 5/249614 chromosomes across all populations in the large and broad cohorts of the Genome Aggregation Database (PMID: 32461654). The variant has been reported in ClinVar (Variation ID: 405542). In silico tools suggest the impact of the variant on protein function is benign, though these predictions have not been confirmed by functional studies. The evidence is insufficient to meet ACMG/AMP criteria for classifying the variant as benign or pathogenic. Thus, the clinical significance of this variant is currently uncertain.

Counsyl
Classification: Uncertain significance for Multiple endocrine neoplasia type 2A. Last evaluated: 2017-10-24. Review status: no assertion criteria provided. Collection method: clinical testing. Allele origin: unknown. Not counted in ClinVar's aggregate classification.

NM_020975.6(RET):c.1018G>T (p.Val340Phe)

Gene: RET (ret proto-oncogene; plus strand). Cytogenetic location: 10q11.21.
Variant type: single nucleotide variant.
Coding change: c.1018G>T on transcript NM_020975.6 (MANE Select); coding-DNA position 1018, G replaced by T.
Protein change: p.Val340Phe; replaces valine 340 with phenylalanine.
Molecular consequence: missense variant.
Genome position (GRCh38, 1-based): chr10:43,106,526, G>T. VCF-style: chr10-43106526-G-T. GRCh37 (hg19) VCF-style: chr10-43601974-G-T.
Other names: c.1018G>T, p.Val340Phe (NM_000323.2, NM_001406743.1, NM_001406744.1 and 6 more transcripts); c.256G>T, p.Val86Phe (NM_001355216.2); c.889G>T, p.Val297Phe (NM_001406761.1, NM_001406762.1, NM_001406764.1 and 1 more transcripts); c.730G>T, p.Val244Phe (NM_001406766.1, NM_001406767.1, NM_001406770.1); short protein forms V340F, V86F, V297F, V244F.
Identifiers: ClinVar variation 405542 (VCV000405542.21), dbSNP rs367737920, ClinGen allele CA030679.